The following is an entry in ClinVar:

NM_000587.4(C7):c.881_882del (p.Arg294fs)

Gene: C7 (complement C7; plus strand). Cytogenetic location: 5p13.1.
Variant type: Deletion.
Coding change: c.881_882del on transcript NM_000587.4 (MANE Select); coding-DNA positions 881 to 882, 2 bases deleted (GA; older notation c.881_882delGA).
Protein change: p.Arg294fs; shifts the reading frame from arginine 294.
Molecular consequence: frameshift variant.
Genome position (GRCh38, 1-based): chr5:40,947,744-40,947,745, GA deleted; deleting any 2 consecutive bases within chr5:40,947,743-40,947,745 gives the same sequence; the c. name uses the placement nearest the transcript's 3' end. VCF-style (leftmost placement, unchanged base first): chr5-40947742-AAG-A. GRCh37 (hg19) VCF-style: chr5-40947844-AAG-A.
Other names: short protein forms R294fs.
Identifiers: ClinVar variation 2770748 (VCV002770748.3), dbSNP rs2478193108, ClinGen allele CA2697547158.

ClinVar aggregate classification (germline): Pathogenic (1 of 4 stars; one submission).

Submission:

Labcorp Genetics (formerly Invitae), Labcorp
Classification: Pathogenic. Last evaluated: 2023-11-18. Review status: criteria provided, single submitter. Criteria: Invitae Variant Classification Sherloc (09022015). Collection method: clinical testing. Allele origin: germline.
Comment: This sequence change creates a premature translational stop signal (p.Arg294Ilefs*34) in the C7 gene. It is expected to result in an absent or disrupted protein product. Loss-of-function variants in C7 are known to be pathogenic (PMID: 9856499, 17407100). This variant is not present in population databases (gnomAD no frequency). This variant has not been reported in the literature in individuals affected with C7-related conditions. For these reasons, this variant has been classified as Pathogenic.

Literature cited by the submitters: PubMed 9856499; PubMed 17407100.